The following is an entry in ClinVar:

ClinVar aggregate classification (germline): Likely pathogenic (1 of 4 stars; one submission).

Conditions:
CHARGE syndrome (CHARGE). Also called: Hittner Hirsch Kreh syndrome; Coloboma, heart anomaly, choanal atresia, retardation, genital and ear anomalies; CHARGE association; Hall-Hittner syndrome; CHARGE ASSOCIATION--COLOBOMA, HEART ANOMALY, CHOANAL ATRESIA, RETARDATION, GENITAL AND EAR ANOMALIES. Identifiers: Orphanet 138, MedGen C0265354, MONDO:0008965.

Submission:

Labcorp Genetics (formerly Invitae), Labcorp
Classification: Likely pathogenic for CHARGE syndrome. Last evaluated: 2019-11-07. Review status: criteria provided, single submitter. Criteria: Invitae Variant Classification Sherloc (09022015). Collection method: clinical testing. Allele origin: germline.
Comment: This variant has not been reported in the literature in individuals with CHD7-related conditions. This sequence change affects a donor splice site in intron 8 of the CHD7 gene. It is expected to disrupt RNA splicing and likely results in an absent or disrupted protein product. This variant is not present in population databases (ExAC no frequency). Algorithms developed to predict the effect of sequence changes on RNA splicing suggest that this variant may disrupt the consensus splice site, but this prediction has not been confirmed by published transcriptional studies. Donor and acceptor splice site variants typically lead to a loss of protein function (PMID: 16199547), and loss-of-function variants in CHD7 are known to be pathogenic (PMID: 22461308, 25077900). In summary, the currently available evidence indicates that the variant is pathogenic, but additional data are needed to prove that conclusively. Therefore, this variant has been classified as Likely Pathogenic.

Literature cited by the submitters: PubMed 16199547; PubMed 22461308; PubMed 25077900.

NM_017780.4(CHD7):c.2613+1G>T

Gene: CHD7 (chromodomain helicase DNA binding protein 7; plus strand). Cytogenetic location: 8q12.2.
Variant type: single nucleotide variant.
Coding change: c.2613+1G>T on transcript NM_017780.4 (MANE Select); the canonical splice donor site of the intron after coding-DNA position 2613, G replaced by T.
Molecular consequence: splice donor variant. On other transcripts: intron variant (1).
Genome position (GRCh38, 1-based): chr8:60,816,502, G>T. VCF-style: chr8-60816502-G-T. GRCh37 (hg19) VCF-style: chr8-61729061-G-T.
Other names: c.1716+35452G>T (NM_001316690.1).
Identifiers: ClinVar variation 955306 (VCV000955306.8), dbSNP rs587783432, ClinGen allele CA371306406.